The following is an entry in ClinVar:

NM_174936.4(PCSK9):c.625C>T (p.Pro209Ser)

Gene: PCSK9 (proprotein convertase subtilisin/kexin type 9; plus strand). Cytogenetic location: 1p32.3.
Variant type: single nucleotide variant.
Coding change: c.625C>T on transcript NM_174936.4 (MANE Select); coding-DNA position 625, C replaced by T.
Protein change: p.Pro209Ser; replaces proline 209 with serine.
Molecular consequence: missense variant.
Genome position (GRCh38, 1-based): chr1:55,052,379, C>T. VCF-style: chr1-55052379-C-T. GRCh37 (hg19) VCF-style: chr1-55518052-C-T.
Other names: c.748C>T, p.Pro250Ser (NM_001407240.1); c.625C>T, p.Pro209Ser (NM_001407241.1, NM_001407242.1, NM_001407244.1 and 1 more transcripts); c.568C>T, p.Pro190Ser (NM_001407243.1); c.433C>T, p.Pro145Ser (NM_001407245.1); c.250C>T, p.Pro84Ser (NM_001407246.1); short protein forms P209S, P250S, P190S, P145S, P84S.
Identifiers: ClinVar variation 629634 (VCV000629634.6), dbSNP rs1373540306, ClinGen allele CA340473536.
Genomic context (GRCh38, chr1:55,052,379, plus strand): 5'-ATACAGAGTGACCACCGGGAAATCGAGGGCAGGGTCATGGTCACCGACTTCGAGAATGTG[C>T]CCGAGGAGGACGGGACCCGCTTCCACAGACAGGTAAGCACGGCCGTCTGATGGGAGGGCT-3'
Protein context (NP_777596.2, residues 199-219): RVMVTDFENV[Pro209Ser]EEDGTRFHRQ

ClinVar aggregate classification (germline): Uncertain significance. Review status: criteria provided, multiple submitters, no conflicts (2 of 4 stars). 2 submissions from 2 submitters: Uncertain significance (2). Last evaluated 2024-02-22.

Conditions:
Familial hypercholesterolemia. Also called: Familial hypercholesterolemias; Familial hypercholesterolaemia. Identifiers: MedGen C0020445, MONDO:0005439.
Hypercholesterolemia, autosomal dominant, 3 (FHCL3). Also called: Familial Hypercholesterolemia, Autosomal Dominant, 3; PCSK9-Related Familial Hypercholesterolemia, Autosomal Dominant; Familial hypercholesterolemia 3. Identifiers: MedGen C1863551, MONDO:0011369, OMIM 603776.

Allele frequency attached by ClinVar (database versions not stated): gnomAD exomes below 0.00001; TOPMed below 0.00001.

Submissions (2):

All of Us Research Program, National Institutes of Health
Classification: Uncertain significance for Hypercholesterolemia, autosomal dominant, 3. Last evaluated: 2024-02-22. Review status: criteria provided, single submitter. Criteria: ACMG Guidelines, 2015. Collection method: clinical testing. Allele origin: germline. Inheritance: Autosomal dominant inheritance. Observed: 1 variant allele, 1 heterozygote.
Comment: Variant of Uncertain Significance due to insufficient evidence: This missense variant is located in the catalytic peptidase domain of the PCSK9 protein. Computational prediction tools and conservation analyses are inconclusive regarding the impact of this variant on the protein function. Computational splicing tools suggest that this variant may not impact RNA splicing. To our knowledge, functional assays have not been performed for this variant nor has this variant been reported in individuals affected with familial hypercholesterolemia in the literature. This variant has been identified in 1/246128 chromosomes in the general population by the Genome Aggregation Database (gnomAD). Available evidence is insufficient to determine the pathogenicity of this variant conclusively.

This study involves interpretation of variants in research participants for the purpose of population health screening. Participant phenotype was not available at the time of variant classification. Additional details can be found in publication PMID: 35346344, PMCID: PMC8962531

Color Diagnostics, LLC DBA Color Health
Classification: Uncertain significance for Familial hypercholesterolemia. Last evaluated: 2023-12-05. Review status: criteria provided, single submitter. Criteria: ACMG Guidelines, 2015. Collection method: clinical testing. Allele origin: germline.
Comment: Variant of Uncertain Significance due to insufficient evidence: This missense variant is located in the catalytic peptidase domain of the PCSK9 protein. Computational prediction tools and conservation analyses are inconclusive regarding the impact of this variant on the protein function. Computational splicing tools suggest that this variant may not impact RNA splicing. To our knowledge, functional assays have not been performed for this variant nor has this variant been reported in individuals affected with familial hypercholesterolemia in the literature. This variant has been identified in 1/246128 chromosomes in the general population by the Genome Aggregation Database (gnomAD). Available evidence is insufficient to determine the pathogenicity of this variant conclusively.